The following is an entry in ClinVar:

NM_002439.5(MSH3):c.1189A>T (p.Thr397Ser)

Gene: MSH3 (mutS homolog 3; plus strand). Cytogenetic location: 5q14.1.
Variant type: single nucleotide variant.
Coding change: c.1189A>T on transcript NM_002439.5 (MANE Select); coding-DNA position 1189, A replaced by T.
Protein change: p.Thr397Ser; replaces threonine 397 with serine.
Molecular consequence: missense variant.
Genome position (GRCh38, 1-based): chr5:80,678,942, A>T. VCF-style: chr5-80678942-A-T. GRCh37 (hg19) VCF-style: chr5-79974761-A-T.
Other names: short protein forms T397S.
Identifiers: ClinVar variation 4826787 (VCV004826787.1).

ClinVar aggregate classification (germline): Uncertain significance (1 of 4 stars; one submission).

Conditions:
Hereditary cancer-predisposing syndrome. Also called: Neoplastic Syndromes, Hereditary; Tumor predisposition; Hereditary Cancer Syndrome; Hereditary neoplastic syndrome. Identifiers: Orphanet 140162, MedGen C0027672, MeSH D009386, MONDO:0015356.

Submission:

Ambry Genetics
Classification: Uncertain significance for Hereditary cancer-predisposing syndrome. Last evaluated: 2026-02-26. Review status: criteria provided, single submitter. Criteria: Ambry Variant Classification Scheme 2023. Collection method: clinical testing. Allele origin: germline.
Comment: The p.T397S variant (also known as c.1189A>T), located in coding exon 8 of the MSH3 gene, results from an A to T substitution at nucleotide position 1189. The threonine at codon 397 is replaced by serine, an amino acid with similar properties. This amino acid position is conserved. In addition, this alteration is predicted to be deleterious by in silico analysis. Based on the available evidence, the clinical significance of this variant remains unclear.